The following is an entry in ClinVar:

NM_000414.4(HSD17B4):c.707T>A (p.Leu236Ter)

Gene: HSD17B4 (hydroxysteroid 17-beta dehydrogenase 4; plus strand). Cytogenetic location: 5q23.1.
Variant type: single nucleotide variant.
Coding change: c.707T>A on transcript NM_000414.4 (MANE Select); coding-DNA position 707, T replaced by A.
Protein change: p.Leu236Ter; replaces leucine 236 with a stop codon.
Molecular consequence: nonsense. On other transcripts: non-coding transcript variant (2).
Genome position (GRCh38, 1-based): chr5:119,489,276, T>A. VCF-style: chr5-119489276-T-A. GRCh37 (hg19) VCF-style: chr5-118824971-T-A.
Other names: c.782T>A, p.Leu261Ter (NM_001199291.3); c.653T>A, p.Leu218Ter (NM_001199292.2); c.635T>A, p.Leu212Ter (NM_001292027.2); c.287T>A, p.Leu96Ter (NM_001292028.2); c.698T>A, p.Leu233Ter (NM_001374497.1); c.707T>A, p.Leu236Ter (NM_001374498.1); c.380T>A, p.Leu127Ter (NM_001374499.1); c.266T>A, p.Leu89Ter (NM_001374500.1); and 1 more; short protein forms L233*, L96*, L127*, L236*, L99*, L212*, L218*, L261*.
Identifiers: ClinVar variation 2228314 (VCV002228314.5), dbSNP rs2531676930, ClinGen allele CA360867048.

ClinVar aggregate classification (germline): Pathogenic. Review status: criteria provided, multiple submitters, no conflicts (2 of 4 stars). 2 submissions from 2 submitters: Pathogenic (2). Last evaluated 2023-11-07.

Conditions:
Inborn genetic diseases. Identifiers: MedGen C0950123, MeSH D030342.
Bifunctional peroxisomal enzyme deficiency (DBIF). Also called: PBFE DEFICIENCY; D-bifunctional protein deficiency; DBP DEFICIENCY. Identifiers: Orphanet 300, MedGen C0342870, MONDO:0009855, OMIM 261515. Disease mechanism: loss of function.
Perrault syndrome. Also called: Gonadal dysgenesis with auditory dysfunction, autosomal recessive inheritance. Identifiers: Orphanet 2855, MedGen C0685838, MONDO:0017312.

Submissions (2):

Labcorp Genetics (formerly Invitae), Labcorp
Classification: Pathogenic for Perrault syndrome; Bifunctional peroxisomal enzyme deficiency. Last evaluated: 2023-11-07. Review status: criteria provided, single submitter. Criteria: Invitae Variant Classification Sherloc (09022015). Collection method: clinical testing. Allele origin: germline.
Comment: This sequence change creates a premature translational stop signal (p.Leu236*) in the HSD17B4 gene. It is expected to result in an absent or disrupted protein product. Loss-of-function variants in HSD17B4 are known to be pathogenic (PMID: 11810648, 16385454, 20673864). This variant is not present in population databases (gnomAD no frequency). This variant has not been reported in the literature in individuals affected with HSD17B4-related conditions. ClinVar contains an entry for this variant (Variation ID: 2228314). For these reasons, this variant has been classified as Pathogenic.

Ambry Genetics
Classification: Pathogenic for Inborn genetic diseases. Last evaluated: 2020-11-23. Review status: criteria provided, single submitter. Criteria: Ambry Variant Classification Scheme 2023. Collection method: clinical testing. Allele origin: germline.
Comment: The c.707T>A (p.L236*) alteration, located in exon 9 (coding exon 9) of the HSD17B4 gene, consists of a T to A substitution at nucleotide position 707. This changes the amino acid from a leucine (L) to a stop codon at amino acid position 236. This alteration is expected to result in loss of function by premature protein truncation or nonsense-mediated mRNA decay. Based on the available evidence, this alteration is classified as pathogenic.

Literature cited by the submitters: PubMed 11810648 (cited by Labcorp Genetics (formerly Invitae), Labcorp); PubMed 16385454 (cited by Labcorp Genetics (formerly Invitae), Labcorp); PubMed 20673864 (cited by Labcorp Genetics (formerly Invitae), Labcorp).